The following is an entry in ClinVar:

ClinVar aggregate classification (germline): Uncertain significance (1 of 4 stars; one submission).

Conditions:
Rhabdoid tumor predisposition syndrome 2 (RTPS2). Identifiers: Orphanet 231108, Orphanet 69077, MedGen C2750074, MONDO:0013224, OMIM 613325.

Submission:

Labcorp Genetics (formerly Invitae), Labcorp
Classification: Uncertain significance for Rhabdoid tumor predisposition syndrome 2. Last evaluated: 2020-06-08. Review status: criteria provided, single submitter. Criteria: Invitae Variant Classification Sherloc (09022015). Collection method: clinical testing. Allele origin: germline.
Comment: In summary, the available evidence is currently insufficient to determine the role of this variant in disease. Therefore, it has been classified as a Variant of Uncertain Significance. Algorithms developed to predict the effect of missense changes on protein structure and function do not agree on the potential impact of this missense change (SIFT: "Deleterious"; PolyPhen-2: "Benign"; Align-GVGD: "Class C15"). This variant has not been reported in the literature in individuals with SMARCA4-related disease. This variant is not present in population databases (ExAC no frequency). This sequence change replaces aspartic acid with asparagine at codon 1506 of the SMARCA4 protein (p.Asp1506Asn). The aspartic acid residue is highly conserved and there is a small physicochemical difference between aspartic acid and asparagine.

NM_003072.5(SMARCA4):c.4420G>A (p.Asp1474Asn)

Gene: SMARCA4 (SWI/SNF related BAF chromatin remodeling complex subunit ATPase 4; plus strand). Cytogenetic location: 19p13.2.
Variant type: single nucleotide variant.
Coding change: c.4420G>A on transcript NM_003072.5 (MANE Select); coding-DNA position 4420, G replaced by A.
Protein change: p.Asp1474Asn; replaces aspartic acid 1474 with asparagine.
Molecular consequence: missense variant. On other transcripts: non-coding transcript variant (1).
Genome position (GRCh38, 1-based): chr19:11,041,556, G>A. VCF-style: chr19-11041556-G-A. GRCh37 (hg19) VCF-style: chr19-11152232-G-A.
Other names: c.4420G>A, p.Asp1474Asn (NM_001128844.3); c.4330G>A, p.Asp1444Asn (NM_001128845.2, NM_001128846.2); c.4321G>A, p.Asp1441Asn (NM_001128847.4, NM_001128848.2, NM_001374457.1); c.4516G>A, p.Asp1506Asn (NM_001128849.3, NM_001387283.1); short protein forms D1506N, D1444N, D1474N, D1441N.
Identifiers: ClinVar variation 578694 (VCV000578694.8), dbSNP rs1555788376, ClinGen allele CA404074234.